The following is an entry in ClinVar:

ClinVar aggregate classification (germline): Conflicting classifications of pathogenicity. Review status: criteria provided, conflicting classifications (1 of 4 stars). 24 submissions from 20 submitters: Uncertain significance (4); Benign (7); Likely benign (7). 6 of the submissions do not count toward it. Last evaluated 2026-08-01.

Conditions:
TTN-related disorder. Also called: TTN-related disorders; TTN-related condition; TTN-related disease.
Cardiovascular phenotype. Identifiers: MedGen CN230736.
Autosomal recessive limb-girdle muscular dystrophy type 2J (LGMDR10). Also called: MUSCULAR DYSTROPHY, LIMB-GIRDLE, AUTOSOMAL RECESSIVE 10; Limb-girdle muscular dystrophy, type 2J. Identifiers: Orphanet 140922, MedGen C1837342, MONDO:0012127, OMIM 608807.
Dilated cardiomyopathy 1G (CMD1G). Identifiers: Orphanet 154, MedGen C1858763, MONDO:0011400, OMIM 604145.
Cardiomyopathy (CMYO). Also called: Cardiomyopathies. Identifiers: Orphanet 167848, MedGen C0878544, MONDO:0004994, HP:0001638. Inheritance: Various modes of inheritance.
Early-onset myopathy with fatal cardiomyopathy (CMYO5). Also called: CONGENITAL MYOPATHY 5 WITH CARDIOMYOPATHY; Salih Myopathy. Identifiers: Orphanet 289377, MedGen C2673677, MONDO:0012714, OMIM 611705. Disease mechanism: loss of function.
Myopathy, myofibrillar, 9, with early respiratory failure (MFM9). Also called: Myopathy, distal, with early respiratory failure, autosomal dominant; Hereditary myopathy with early respiratory failure; EDSTROM MYOPATHY; MYOPATHY, PROXIMAL, WITH EARLY RESPIRATORY MUSCLE INVOLVEMENT. Identifiers: Orphanet 178464, Orphanet 34521, MedGen C1863599, MONDO:0011362, OMIM 603689.
Tibial muscular dystrophy (TMD). Also called: Tibial muscular dystrophy, tardive; Udd Distal Myopathy – Tibial Muscular Dystrophy; UDD MYOPATHY. Identifiers: Orphanet 609, MedGen C1838244, MONDO:0010870, OMIM 600334.

Allele frequency attached by ClinVar (database versions not stated): TOPMed 0.00099; gnomAD exomes 0.00088 and 0.00106; ExAC 0.00099; ESP Exome Variant Server 0.00141; 1000 Genomes Project 0.00040; gnomAD 0.00048; 1000 Genomes Project 30x 0.00078.
gnomAD v4.1: 1,462 of 1,613,534 alleles (0.091%); highest among the groups gnomAD compares: Admixed American, 0.078%; 3 homozygotes.

Submissions (24):

CeGaT Center for Human Genetics Tuebingen
Classification: Likely benign. Last evaluated: 2026-08-01. Review status: criteria provided, single submitter. Criteria: CeGaT Center For Human Genetics Tuebingen Variant Classification Criteria Version 2. Collection method: clinical testing. Allele origin: germline. Affected: yes. Observed: 45 variant alleles.
Comment: TTN: BP4, BS1

Labcorp Genetics (formerly Invitae), Labcorp
Classification: Likely benign for Dilated cardiomyopathy 1G; Autosomal recessive limb-girdle muscular dystrophy type 2J. Last evaluated: 2026-01-27. Review status: criteria provided, single submitter. Criteria: Invitae Variant Classification Sherloc (09022015). Collection method: clinical testing. Allele origin: germline.

Mayo Clinic Laboratories, Mayo Clinic
Classification: Benign. Last evaluated: 2025-07-23. Review status: criteria provided, single submitter. Criteria: ACMG Guidelines, 2015. Collection method: clinical testing. Allele origin: germline. Observed: 7 variant alleles.

Molecular Diagnostic Laboratory for Inherited Cardiovascular Disease, Montreal Heart Institute
Classification: Likely benign. Last evaluated: 2025-04-09. Review status: criteria provided, single submitter. Criteria: ACMG Guidelines, 2015. Collection method: clinical testing. Allele origin: germline. Affected: no.

Blueprint Genetics
Classification: Likely benign. Last evaluated: 2024-11-11. Review status: criteria provided, single submitter. Criteria: ACMG Guidelines, 2015. Collection method: clinical testing. Allele origin: germline.

GeneDx
Classification: Likely benign. Last evaluated: 2020-10-01. Review status: criteria provided, single submitter. Criteria: GeneDx Variant Classification Process June 2021. Collection method: clinical testing. Allele origin: germline. Affected: yes.
Comment: This variant is associated with the following publications: (PMID: 23396983, 23861362, 27930701)

Women's Health and Genetics/Laboratory Corporation of America, LabCorp
Classification: Benign. Last evaluated: 2020-08-31. Review status: criteria provided, single submitter. Criteria: LabCorp Variant Classification Summary - May 2015. Collection method: clinical testing. Allele origin: germline.
Comment: Variant summary: TTN c.67191A>C (p.Gln22397His) results in a non-conservative amino acid change located in the A-band of the encoded protein sequence. Three of five in-silico tools predict a benign effect of the variant on protein function. The variant allele was found at a frequency of 0.0011 in 248454 control chromosomes in the gnomAD database, including 1 homozygotes. The observed variant frequency is approximately 3 fold of the estimated maximal expected allele frequency for a pathogenic variant in TTN causing Dilated Cardiomyopathy phenotype (0.00039), strongly suggesting that the variant is benign. To our knowledge, no occurrence of c.67191A>C in individuals affected with Dilated Cardiomyopathy and no experimental evidence demonstrating its impact on protein function have been reported. Ten clinical diagnostic laboratories have submitted clinical-significance assessments for this variant to ClinVar after 2014 without evidence for independent evaluation. Multiple laboratories reported the variant with conflicting assessments (benign/likely benign n=8, VUS n=2). Based on the evidence outlined above, the variant was classified as benign.

ARUP Laboratories, Molecular Genetics and Genomics, ARUP Laboratories
Classification: Benign. Last evaluated: 2019-11-21. Review status: criteria provided, single submitter. Criteria: ARUP Molecular Germline Variant Investigation Process. Collection method: clinical testing. Allele origin: germline.

Athena Diagnostics
Classification: Benign. Last evaluated: 2018-09-14. Review status: criteria provided, single submitter. Criteria: Athena Diagnostics Criteria. Collection method: clinical testing. Allele origin: germline.

Ambry Genetics
Classification: Benign for Cardiovascular phenotype. Last evaluated: 2018-02-12. Review status: criteria provided, single submitter. Criteria: Ambry Autosomal Dominant and X-Linked criteria (3/2017). Collection method: clinical testing. Allele origin: germline. Observed: 1 variant allele.
Comment: General population or subpopulation frequency is too high to be a pathogenic mutation based on disease/syndrome prevalence and penetrance

Illumina Laboratory Services, Illumina
Classification: Benign for Myopathy, myofibrillar, 9, with early respiratory failure. Last evaluated: 2018-01-13. Review status: criteria provided, single submitter. Criteria: ICSL Variant Classification Criteria 13 December 2019. Collection method: clinical testing. Allele origin: germline.
Comment: This variant was observed in the ICSL laboratory as part of a predisposition screen in an ostensibly healthy population. It had not been previously curated by ICSL or reported in the Human Gene Mutation Database (HGMD: prior to June 1st, 2018), and was therefore a candidate for classification through an automated scoring system. Utilizing variant allele frequency, disease prevalence and penetrance estimates, and inheritance mode, an automated score was calculated to assess if this variant is too frequent to cause the disease. Based on the score and internal cut-off values, a variant classified as benign is not then subjected to further curation. The score for this variant resulted in a classification of benign for this disease.

Illumina Laboratory Services, Illumina
Classification: Uncertain significance for Autosomal recessive limb-girdle muscular dystrophy type 2J. Last evaluated: 2018-01-13. Review status: criteria provided, single submitter. Criteria: ICSL Variant Classification Criteria 13 December 2019. Collection method: clinical testing. Allele origin: germline.

Illumina Laboratory Services, Illumina
Classification: Benign for Tibial muscular dystrophy. Last evaluated: 2018-01-13. Review status: criteria provided, single submitter. Criteria: ICSL Variant Classification Criteria 13 December 2019. Collection method: clinical testing. Allele origin: germline.
Comment: the same text as in the submission from Illumina Laboratory Services, Illumina above.

Illumina Laboratory Services, Illumina
Classification: Uncertain significance for Dilated cardiomyopathy 1G. Last evaluated: 2018-01-13. Review status: criteria provided, single submitter. Criteria: ICSL Variant Classification Criteria 13 December 2019. Collection method: clinical testing. Allele origin: germline.

Illumina Laboratory Services, Illumina
Classification: Uncertain significance for Early-onset myopathy with fatal cardiomyopathy. Last evaluated: 2018-01-13. Review status: criteria provided, single submitter. Criteria: ICSL Variant Classification Criteria 13 December 2019. Collection method: clinical testing. Allele origin: germline.

CHEO Genetics Diagnostic Laboratory, Children's Hospital of Eastern Ontario
Classification: Uncertain significance for Cardiomyopathy. Last evaluated: 2016-05-27. Review status: criteria provided, single submitter. Criteria: ACMG Guidelines, 2015. Collection method: clinical testing. Allele origin: germline. Study: Canadian Open Genetics Repository.

Eurofins Ntd Llc (ga)
Classification: Likely benign. Last evaluated: 2015-06-24. Review status: criteria provided, single submitter. Criteria: EGL Classification Definitions 2015. Collection method: clinical testing. Allele origin: germline. Observed: 1 variant allele, 1 heterozygote.

Laboratory for Molecular Medicine, Mass General Brigham Personalized Medicine
Classification: Likely benign. Last evaluated: 2015-06-09. Review status: criteria provided, single submitter. Criteria: LMM Criteria. Collection method: clinical testing. Allele origin: germline. Observed: 6 variant alleles.
Comment: p.Gln22397His in exon 275 of TTN This variant is not expected to have clinical s ignificance due to a lack of conservation across species, including mammals. Of note, 3 mammals (guinea pig, horse, and white rhinoceros) have a histidine (His) at this position despite high nearby amino acid conservation. In addition, the variant has been identified in 0.16% (107/66688) of European chromosomes by the Exome Aggregation Consortium (ExAC; dbSNP rs2015 12527).

PreventionGenetics, part of Exact Sciences
Classification: Benign for TTN-related condition. Last evaluated: 2020-06-29. Review status: no assertion criteria provided. Collection method: clinical testing. Allele origin: germline. Not counted in ClinVar's aggregate classification.
Comment: This variant is classified as benign based on ACMG/AMP sequence variant interpretation guidelines (Richards et al. 2015 PMID: 25741868, with internal and published modifications).

Clinical Genetics DNA and cytogenetics Diagnostics Lab, Erasmus MC, Erasmus Medical Center
Classification: Likely benign. Review status: no assertion criteria provided. Collection method: clinical testing. Allele origin: germline. Affected: yes. Study: VKGL Data-share Consensus. Not counted in ClinVar's aggregate classification.

Clinical Genetics, Academic Medical Center
Classification: Benign. Review status: no assertion criteria provided. Collection method: clinical testing. Allele origin: germline. Affected: yes. Study: VKGL Data-share Consensus. Not counted in ClinVar's aggregate classification.

Genome Diagnostics Laboratory, University Medical Center Utrecht
Classification: Benign. Review status: no assertion criteria provided. Collection method: clinical testing. Allele origin: germline. Affected: yes. Study: VKGL Data-share Consensus. Not counted in ClinVar's aggregate classification.

Joint Genome Diagnostic Labs from Nijmegen and Maastricht, Radboudumc and MUMC+
Classification: Likely benign. Review status: no assertion criteria provided. Collection method: clinical testing. Allele origin: germline. Affected: yes. Study: VKGL Data-share Consensus. Not counted in ClinVar's aggregate classification.

Laboratory of Diagnostic Genome Analysis, Leiden University Medical Center (LUMC)
Classification: Likely benign. Review status: no assertion criteria provided. Collection method: clinical testing. Allele origin: germline. Affected: yes. Study: VKGL Data-share Consensus. Not counted in ClinVar's aggregate classification.

NM_001267550.2(TTN):c.74895A>C (p.Gln24965His)

Genes: TTN-AS1 (TTN antisense RNA 1; plus strand), TTN (titin; minus strand). Cytogenetic location: 2q31.2.
Variant type: single nucleotide variant.
Coding change: c.74895A>C on transcript NM_001267550.2 (MANE Select); coding-DNA position 74895, A replaced by C.
Protein change: p.Gln24965His; replaces glutamine 24965 with histidine.
Molecular consequence: missense variant.
Genome position (GRCh38, 1-based): chr2:178,571,237, T>G on the plus strand (A>C on the coding strand, the complement: TTN is on the minus strand). VCF-style: chr2-178571237-T-G. GRCh37 (hg19) VCF-style: chr2-179435964-T-G.
Other names: p.Q23324H:CAA>CAC; c.69972A>C, p.Gln23324His (NM_001256850.1); c.67191A>C, p.Gln22397His (NM_133378.4); c.47700A>C, p.Gln15900His (NM_003319.4); c.48075A>C, p.Gln16025His (NM_133432.3); c.48276A>C, p.Gln16092His (NM_133437.4); short protein forms Q24965H, Q22397H, Q23324H, Q16025H, Q15900H, Q16092H.
Identifiers: ClinVar variation 47332 (VCV000047332.78), dbSNP rs201512527, ClinGen allele CA140713.